The following is an entry in ClinVar:

ClinVar aggregate classification (germline): Uncertain significance (1 of 4 stars; one submission).

Conditions:
Hereditary cancer-predisposing syndrome. Also called: Tumor predisposition; Hereditary neoplastic syndrome; Neoplastic Syndromes, Hereditary; Hereditary Cancer Syndrome. Identifiers: Orphanet 140162, MedGen C0027672, MeSH D009386, MONDO:0015356.

gnomAD v4.1: 1 of 1,614,154 alleles (0.000062%); highest among the groups gnomAD compares: African/African-American, 0.0013%; no homozygotes.

Submission:

Labcorp Genetics (formerly Invitae), Labcorp
Classification: Uncertain significance for Hereditary cancer-predisposing syndrome. Last evaluated: 2022-11-24. Review status: criteria provided, single submitter. Criteria: Invitae Variant Classification Sherloc (09022015). Collection method: clinical testing. Allele origin: germline.
Comment: In summary, the available evidence is currently insufficient to determine the role of this variant in disease. Therefore, it has been classified as a Variant of Uncertain Significance. Advanced modeling of protein sequence and biophysical properties (such as structural, functional, and spatial information, amino acid conservation, physicochemical variation, residue mobility, and thermodynamic stability) performed at Invitae indicates that this missense variant is expected to disrupt RAD50 protein function. ClinVar contains an entry for this variant (Variation ID: 957403). This variant has not been reported in the literature in individuals affected with RAD50-related conditions. This variant is not present in population databases (gnomAD no frequency). This sequence change replaces arginine, which is basic and polar, with leucine, which is neutral and non-polar, at codon 1180 of the RAD50 protein (p.Arg1180Leu).

NM_005732.4(RAD50):c.3539G>T (p.Arg1180Leu)

Genes: RAD50 (RAD50 double strand break repair protein; plus strand), TH2-LCR (Th2 cytokine locus control region; plus strand), TH2LCRR (T helper type 2 locus control region associated RNA; minus strand). Cytogenetic location: 5q31.1.
Variant type: single nucleotide variant.
Coding change: c.3539G>T on transcript NM_005732.4 (MANE Select); coding-DNA position 3539, G replaced by T.
Protein change: p.Arg1180Leu; replaces arginine 1180 with leucine.
Molecular consequence: missense variant. On other transcripts: non-coding transcript variant (2).
Genome position (GRCh38, 1-based): chr5:132,638,144, G>T. VCF-style: chr5-132638144-G-T. GRCh37 (hg19) VCF-style: chr5-131973836-G-T.
Other names: short protein forms R1180L.
Identifiers: ClinVar variation 957403 (VCV000957403.10), dbSNP rs369788398, ClinGen allele CA360931897.